The following is an entry in ClinVar:

NM_000018.4(ACADVL):c.628A>C (p.Thr210Pro)

Gene: ACADVL (acyl-CoA dehydrogenase very long chain; plus strand). Cytogenetic location: 17p13.1.
Variant type: single nucleotide variant.
Coding change: c.628A>C on transcript NM_000018.4 (MANE Select); coding-DNA position 628, A replaced by C.
Protein change: p.Thr210Pro; replaces threonine 210 with proline.
Molecular consequence: missense variant.
Genome position (GRCh38, 1-based): chr17:7,221,957, A>C. VCF-style: chr17-7221957-A-C. GRCh37 (hg19) VCF-style: chr17-7125276-A-C.
Other names: c.562A>C, p.Thr188Pro (NM_001033859.3); c.697A>C, p.Thr233Pro (NM_001270447.2); c.400A>C, p.Thr134Pro (NM_001270448.2); short protein forms T210P, T188P, T233P, T134P.
Identifiers: ClinVar variation 932795 (VCV000932795.13), dbSNP rs775400380, ClinGen allele CA8337798.
Genomic context (GRCh38, chr17:7,221,957, plus strand): 5'-GAGGGGACTTTGAAGCTCATCAGAACTTGGGGTAAAGTAGCTCTCTCCCCAACAGGGGAG[A>C]CTGTGGCCGCTTTCTGTCTAACCGAGCCCTCAAGCGGGTCAGATGCAGCCTCCATCCGAA-3'
Protein context (NP_000009.1, residues 200-220): KYLPKLASGE[Thr210Pro]VAAFCLTEPS

ClinVar aggregate classification (germline): Uncertain significance. Review status: criteria provided, multiple submitters, no conflicts (2 of 4 stars). 6 submissions from 6 submitters: Uncertain significance (5). 1 of the submissions does not count toward it. Last evaluated 2023-05-29.

Conditions:
Very long chain acyl-CoA dehydrogenase deficiency (ACADVLD). Also called: Very Long-Chain Acyl-Coenzyme A Dehydrogenase Deficiency; VLCAD Deficiency. Identifiers: Orphanet 26793, MedGen C3887523, MONDO:0008723, OMIM 201475.

Allele frequency attached by ClinVar (database versions not stated): gnomAD exomes below 0.00001 and 0.00001; ExAC 0.00001; gnomAD 0.00001; TOPMed 0.00002.
gnomAD v4.1: 3 of 1,613,848 alleles (0.00019%); highest among the groups gnomAD compares: African/African-American, 0.004%; no homozygotes.

Submissions (6):

ARUP Laboratories, Molecular Genetics and Genomics, ARUP Laboratories
Classification: Uncertain significance for Very long chain acyl-CoA dehydrogenase deficiency. Last evaluated: 2023-05-29. Review status: criteria provided, single submitter. Criteria: ARUP Molecular Germline Variant Investigation Process 2024. Collection method: clinical testing. Allele origin: germline.
Comment: The ACADVL c.628A>C; p.Thr210Pro variant (rs775400380) is reported in the literature in an individual affected with VLCAD deficiency (Pena 2016). This variant is also reported in ClinVar (Variation ID: 932795), but is only observed on three alleles in the Genome Aggregation Database, indicating it is not a common polymorphism. Computational analyses are uncertain whether this variant is neutral or deleterious (REVEL: 0.458). Due to limited information, the clinical significance of this variant is uncertain at this time. References: Pena LD et al. Outcomes and genotype-phenotype correlations in 52 individuals with VLCAD deficiency diagnosed by NBS and enrolled in the IBEM-IS database. Mol Genet Metab. 2016 Aug;118(4):272-81. PMID: 27209629.

Women's Health and Genetics/Laboratory Corporation of America, LabCorp
Classification: Uncertain significance. Last evaluated: 2021-12-09. Review status: criteria provided, single submitter. Criteria: LabCorp Variant Classification Summary - May 2015. Collection method: clinical testing. Allele origin: germline.
Comment: Variant summary: ACADVL c.628A>C (p.Thr210Pro) results in a non-conservative amino acid change in the encoded protein sequence. Three of five in-silico tools predict a benign effect of the variant on protein function. The variant allele was found at a frequency of 1.2e-05 in 251292 control chromosomes. The available data on variant occurrences in the general population are insufficient to allow any conclusion about variant significance. c.628A>C has been reported in the literature as a compound heterozygous genotype in at-least newborn with unknown symptoms in a newborn screening program for Very Long Chain Acyl-CoA Dehydrogenase Deficiency (example, Pena_2016). This variant has also been reported as a VUS with a non-informative genotype (second allele not specified) in at-least two alleles within a newborn screen (NBS) or a presumed NBS cohort (Miller_2013). These report(s) do not provide unequivocal conclusions about association of the variant with Very Long Chain Acyl-CoA Dehydrogenase Deficiency. To our knowledge, no experimental evidence demonstrating an impact on protein function has been reported. Two clinical diagnostic laboratories have submitted clinical-significance assessments for this variant to ClinVar after 2014 without evidence for independent evaluation. All laboratories classified the variant as uncertain significance. Based on the evidence outlined above, the variant was classified as uncertain significance.

Greenwood Genetic Center Diagnostic Laboratories, Greenwood Genetic Center
Classification: Uncertain significance. Last evaluated: 2021-10-21. Review status: criteria provided, single submitter. Criteria: ACMG Guidelines, 2015. Collection method: clinical testing. Allele origin: germline. Affected: yes.
Comment: PM2, PM3_Supporting, PS3_Moderate

Labcorp Genetics (formerly Invitae), Labcorp
Classification: Uncertain significance for Very long chain acyl-CoA dehydrogenase deficiency. Last evaluated: 2021-09-02. Review status: criteria provided, single submitter. Criteria: Invitae Variant Classification Sherloc (09022015). Collection method: clinical testing. Allele origin: germline.
Comment: This sequence change replaces threonine with proline at codon 210 of the ACADVL protein (p.Thr210Pro). The threonine residue is weakly conserved and there is a small physicochemical difference between threonine and proline. This variant is present in population databases (rs775400380, ExAC 0.01%). This missense change has been observed in individual(s) with a positive newborn screening result for ACADVL-related disease (PMID: 27209629). Algorithms developed to predict the effect of missense changes on protein structure and function (SIFT, PolyPhen-2, Align-GVGD) all suggest that this variant is likely to be tolerated. In summary, the available evidence is currently insufficient to determine the role of this variant in disease. Therefore, it has been classified as a Variant of Uncertain Significance.

Wong Mito Lab, Molecular and Human Genetics, Baylor College of Medicine
Classification: Uncertain significance for Very long chain acyl-CoA dehydrogenase deficiency. Last evaluated: 2019-11-01. Review status: criteria provided, single submitter. Criteria: ACMG Guidelines, 2015. Collection method: clinical testing. Allele origin: germline.
Comment: The NM_000018.3:c.628A>C (NP_000009.1:p.Thr210Pro) [GRCH38: NC_000017.11:g.7221957A>C] variant in ACADVL gene is interpretated to be Uncertain Significance based on ACMG guidelines (PMID: 25741868). This variant has been reported.This variant dose not meet any evidence codes reported in the ACMG guidelines.

Natera, Inc.
Classification: Uncertain significance for Very long chain acyl-CoA dehydrogenase deficiency. Last evaluated: 2020-05-27. Review status: no assertion criteria provided. Collection method: clinical testing. Allele origin: germline. Not counted in ClinVar's aggregate classification.

Literature cited by the submitters: PubMed 26385305 (cited by Women's Health and Genetics/Laboratory Corporation of America, LabCorp); PubMed 27209629 (cited by Women's Health and Genetics/Laboratory Corporation of America, LabCorp and Labcorp Genetics (formerly Invitae), Labcorp).